The following is an entry in ClinVar:

ClinVar aggregate classification (germline): Uncertain significance (1 of 4 stars; one submission).

Conditions:
Emery-Dreifuss muscular dystrophy 5, autosomal dominant (EDMD5). Also called: EMERY-DREIFUSS MUSCULAR DYSTROPHY 5. Identifiers: Orphanet 261, MedGen C2751805, MONDO:0013072, OMIM 612999.

Submission:

Labcorp Genetics (formerly Invitae), Labcorp
Classification: Uncertain significance for Emery-Dreifuss muscular dystrophy 5, autosomal dominant. Last evaluated: 2022-08-31. Review status: criteria provided, single submitter. Criteria: Invitae Variant Classification Sherloc (09022015). Collection method: clinical testing. Allele origin: germline.
Comment: In summary, the available evidence is currently insufficient to determine the role of this variant in disease. Therefore, it has been classified as a Variant of Uncertain Significance. Algorithms developed to predict the effect of missense changes on protein structure and function (SIFT, PolyPhen-2, Align-GVGD) all suggest that this variant is likely to be tolerated. ClinVar contains an entry for this variant (Variation ID: 1014379). This variant has not been reported in the literature in individuals affected with SYNE2-related conditions. This variant is not present in population databases (gnomAD no frequency). This sequence change replaces glutamic acid, which is acidic and polar, with aspartic acid, which is acidic and polar, at codon 6 of the SYNE2 protein (p.Glu6Asp).

NM_182914.3(SYNE2):c.18G>C (p.Glu6Asp)

Gene: SYNE2 (spectrin repeat containing nuclear envelope protein 2; plus strand). Cytogenetic location: 14q23.2.
Variant type: single nucleotide variant.
Coding change: c.18G>C on transcript NM_182914.3 (MANE Select); coding-DNA position 18, G replaced by C.
Protein change: p.Glu6Asp; replaces glutamic acid 6 with aspartic acid.
Molecular consequence: missense variant.
Genome position (GRCh38, 1-based): chr14:63,909,166, G>C. VCF-style: chr14-63909166-G-C. GRCh37 (hg19) VCF-style: chr14-64375884-G-C.
Other names: c.18G>C, p.Glu6Asp (NM_015180.6); short protein forms E6D.
Identifiers: ClinVar variation 1014379 (VCV001014379.10), dbSNP rs2095442604, ClinGen allele CA389934699.